The following is an entry in ClinVar:

NM_004357.5(CD151):c.352-3C>A

Gene: CD151 (CD151 molecule (Raph blood group); plus strand). Cytogenetic location: 11p15.5.
Variant type: single nucleotide variant.
Coding change: c.352-3C>A on transcript NM_004357.5 (MANE Select); 3 bases into the intron before coding-DNA position 352, C replaced by A.
Molecular consequence: intron variant.
Genome position (GRCh38, 1-based): chr11:837,247, C>A. VCF-style: chr11-837247-C-A. GRCh37 (hg19) VCF-style: chr11-837247-C-A.
Other names: c.352-3C>A (NM_139030.4, NM_139029.2, NM_001039490.2).
Identifiers: ClinVar variation 2986407 (VCV002986407.3), dbSNP rs759886252, ClinGen allele CA5792176.

ClinVar aggregate classification (germline): Uncertain significance (1 of 4 stars; one submission).

Allele frequency attached by ClinVar (database versions not stated): ExAC 0.00001; gnomAD 0.00001; TOPMed 0.00003.

Submission:

Labcorp Genetics (formerly Invitae), Labcorp
Classification: Uncertain significance. Last evaluated: 2023-07-29. Review status: criteria provided, single submitter. Criteria: Invitae Variant Classification Sherloc (09022015). Collection method: clinical testing. Allele origin: germline.
Comment: In summary, the available evidence is currently insufficient to determine the role of this variant in disease. Therefore, it has been classified as a Variant of Uncertain Significance. Variants that disrupt the consensus splice site are a relatively common cause of aberrant splicing (PMID: 17576681, 9536098). Algorithms developed to predict the effect of sequence changes on RNA splicing suggest that this variant is not likely to affect RNA splicing. This variant has not been reported in the literature in individuals affected with CD151-related conditions. This variant is present in population databases (rs759886252, gnomAD 0.007%). This sequence change falls in intron 5 of the CD151 gene. It does not directly change the encoded amino acid sequence of the CD151 protein. It affects a nucleotide within the consensus splice site.

Literature cited by the submitters: PubMed 17576681; PubMed 9536098.